The following is an entry in ClinVar:

ClinVar aggregate classification (germline): Uncertain significance. Review status: criteria provided, multiple submitters, no conflicts (2 of 4 stars). 2 submissions from 2 submitters: Uncertain significance (2). Last evaluated 2024-02-28.

Allele frequency attached by ClinVar (database versions not stated): gnomAD 0.00001; ExAC 0.00003; TOPMed 0.00003; gnomAD exomes 0.00006.
gnomAD v4.1: 13 of 1,613,808 alleles (0.00081%); highest among the groups gnomAD compares: East Asian, 0.027%; no homozygotes.

Submissions (2):

Blueprint Genetics
Classification: Uncertain significance. Last evaluated: 2024-02-28. Review status: criteria provided, single submitter. Criteria: ACMG Guidelines, 2015. Collection method: clinical testing. Allele origin: germline.

Labcorp Genetics (formerly Invitae), Labcorp
Classification: Uncertain significance. Last evaluated: 2024-02-17. Review status: criteria provided, single submitter. Criteria: Invitae Variant Classification Sherloc (09022015). Collection method: clinical testing. Allele origin: germline.
Comment: This sequence change replaces threonine, which is neutral and polar, with alanine, which is neutral and non-polar, at codon 253 of the CACNA2D4 protein (p.Thr253Ala). This variant is present in population databases (rs751635362, gnomAD 0.09%), and has an allele count higher than expected for a pathogenic variant. This variant has not been reported in the literature in individuals affected with CACNA2D4-related conditions. ClinVar contains an entry for this variant (Variation ID: 960286). An algorithm developed to predict the effect of missense changes on protein structure and function (PolyPhen-2) suggests that this variant is likely to be tolerated. In summary, the available evidence is currently insufficient to determine the role of this variant in disease. Therefore, it has been classified as a Variant of Uncertain Significance.

NM_172364.5(CACNA2D4):c.757A>G (p.Thr253Ala)

Gene: CACNA2D4 (calcium voltage-gated channel auxiliary subunit alpha2delta 4; minus strand). Cytogenetic location: 12p13.33.
Variant type: single nucleotide variant.
Coding change: c.757A>G on transcript NM_172364.5 (MANE Select); coding-DNA position 757, A replaced by G.
Protein change: p.Thr253Ala; replaces threonine 253 with alanine.
Molecular consequence: missense variant.
Genome position (GRCh38, 1-based): chr12:1,907,464, T>C on the plus strand (A>G on the coding strand, the complement: CACNA2D4 is on the minus strand). VCF-style: chr12-1907464-T-C. GRCh37 (hg19) VCF-style: chr12-2016630-T-C.
Other names: short protein forms T253A.
Identifiers: ClinVar variation 960286 (VCV000960286.11), dbSNP rs751635362, ClinGen allele CA6387425.